The following is an entry in ClinVar:

NM_006445.4(PRPF8):c.358T>C (p.Tyr120His)

Gene: PRPF8 (pre-mRNA processing factor 8; minus strand). Cytogenetic location: 17p13.3.
Variant type: single nucleotide variant.
Coding change: c.358T>C on transcript NM_006445.4 (MANE Select); coding-DNA position 358, T replaced by C.
Protein change: p.Tyr120His; replaces tyrosine 120 with histidine.
Molecular consequence: missense variant.
Genome position (GRCh38, 1-based): chr17:1,682,205, A>G on the plus strand (T>C on the coding strand, the complement: PRPF8 is on the minus strand). VCF-style: chr17-1682205-A-G. GRCh37 (hg19) VCF-style: chr17-1585499-A-G.
Other names: short protein forms Y120H.
Identifiers: ClinVar variation 2038213 (VCV002038213.4), dbSNP rs2543783719, ClinGen allele CA397569941.

ClinVar aggregate classification (germline): Uncertain significance (1 of 4 stars; one submission).

Submission:

Labcorp Genetics (formerly Invitae), Labcorp
Classification: Uncertain significance. Last evaluated: 2022-08-21. Review status: criteria provided, single submitter. Criteria: Invitae Variant Classification Sherloc (09022015). Collection method: clinical testing. Allele origin: germline.
Comment: In summary, the available evidence is currently insufficient to determine the role of this variant in disease. Therefore, it has been classified as a Variant of Uncertain Significance. This sequence change replaces tyrosine, which is neutral and polar, with histidine, which is basic and polar, at codon 120 of the PRPF8 protein (p.Tyr120His). This variant is not present in population databases (gnomAD no frequency). This variant has not been reported in the literature in individuals affected with PRPF8-related conditions. Algorithms developed to predict the effect of missense changes on protein structure and function are either unavailable or do not agree on the potential impact of this missense change (SIFT: "Deleterious"; PolyPhen-2: "Probably Damaging"; Align-GVGD: "Class C0").